The following is an entry in ClinVar:

NM_015189.3(EXOC6B):c.915+2T>G

Gene: EXOC6B (exocyst complex component 6B; minus strand). Cytogenetic location: 2p13.2.
Variant type: single nucleotide variant.
Coding change: c.915+2T>G on transcript NM_015189.3 (MANE Select); the canonical splice donor site of the intron after coding-DNA position 915, T replaced by G.
Molecular consequence: splice donor variant.
Genome position (GRCh38, 1-based): chr2:72,559,451, A>C on the plus strand (T>G on the coding strand, the complement: EXOC6B is on the minus strand). VCF-style: chr2-72559451-A-C. GRCh37 (hg19) VCF-style: chr2-72786580-A-C.
Other names: c.576+2T>G (NM_001321734.2); c.915+2T>G (NM_001321733.2, NM_001321730.2, NM_001321729.2 and 1 more transcripts).
Identifiers: ClinVar variation 4723494 (VCV004723494.1).
Genomic context (GRCh38, chr2:72,559,451, plus strand): 5'-GAGAGAGCAAAGTTTTGAACTCAATGGACATCTTTATTAGGCAGAGCCAGATAAAGACTC[A>C]CCAGGACAGAATATATATGTAGACATCGATAAACTGGAGAGAAATCCACCAAATCTTGGG-3'

ClinVar aggregate classification (germline): Likely pathogenic (1 of 4 stars; one submission).

Submission:

Labcorp Genetics (formerly Invitae), Labcorp
Classification: Likely pathogenic. Last evaluated: 2025-09-13. Review status: criteria provided, single submitter. Criteria: Invitae Variant Classification Sherloc (09022015). Collection method: clinical testing. Allele origin: germline.
Comment: This sequence change affects a donor splice site in intron 8 of the EXOC6B gene. It is expected to disrupt RNA splicing. Variants that disrupt the donor or acceptor splice site typically lead to a loss of protein function (PMID: 16199547), and loss-of-function variants in EXOC6B are known to be pathogenic (PMID: 26669664, 36150098). This variant is not present in population databases (gnomAD no frequency). This variant has not been reported in the literature in individuals affected with EXOC6B-related conditions. Algorithms developed to predict the effect of sequence changes on RNA splicing suggest that this variant may disrupt the consensus splice site. In summary, the currently available evidence indicates that the variant is pathogenic, but additional data are needed to prove that conclusively. Therefore, this variant has been classified as Likely Pathogenic.

Literature cited by the submitters: PubMed 16199547; PubMed 26669664; PubMed 36150098.